The following is an entry in ClinVar:

ClinVar aggregate classification (germline): Uncertain significance. Review status: criteria provided, single submitter (1 of 4 stars). 2 submissions from 2 submitters: Uncertain significance (1). 1 of the submissions does not count toward it. Last evaluated 2020-07-17.

Conditions:
DYRK1B-related disorder. Also called: DYRK1B-related condition.
Abdominal obesity-metabolic syndrome 3 (AOMS3). Also called: CENTRAL OBESITY, TYPE 2 DIABETES, HYPERTENSION, AND EARLY-ONSET CORONARY ARTERY DISEASE. Identifiers: MedGen C4014361, MONDO:0014352, OMIM 615812.

gnomAD v4.1: 37 of 1,614,032 alleles (0.0023%); highest among the groups gnomAD compares: Admixed American, 0.0067%; no homozygotes.

Submissions (2):

Department of Pathology and Laboratory Medicine, Sinai Health System
Classification: Uncertain significance for abdominal obesity-metabolic syndrome 3. Last evaluated: 2020-07-17. Review status: criteria provided, single submitter. Criteria: ACMG Guidelines, 2015. Collection method: research. Allele origin: germline.

PreventionGenetics, part of Exact Sciences
Classification: Uncertain significance for DYRK1B-related condition. Last evaluated: 2024-09-11. Review status: no assertion criteria provided. Collection method: clinical testing. Allele origin: germline. Not counted in ClinVar's aggregate classification.
Comment: The DYRK1B c.236C>T variant is predicted to result in the amino acid substitution p.Ser79Leu. To our knowledge, this variant has not been reported in the literature. This variant is reported in 0.0080% of alleles in individuals of African descent in gnomAD. At this time, the clinical significance of this variant is uncertain due to the absence of conclusive functional and genetic evidence.

NM_004714.3(DYRK1B):c.236C>T (p.Ser79Leu)

Gene: DYRK1B (dual specificity tyrosine phosphorylation regulated kinase 1B; minus strand). Cytogenetic location: 19q13.2.
Variant type: single nucleotide variant.
Coding change: c.236C>T on transcript NM_004714.3 (MANE Select); coding-DNA position 236, C replaced by T.
Protein change: p.Ser79Leu; replaces serine 79 with leucine.
Molecular consequence: missense variant.
Genome position (GRCh38, 1-based): chr19:39,830,511, G>A on the plus strand (C>T on the coding strand, the complement: DYRK1B is on the minus strand). VCF-style: chr19-39830511-G-A. GRCh37 (hg19) VCF-style: chr19-40321151-G-A.
Other names: c.236C>T, p.Ser79Leu (NM_006483.3, NM_006484.3); short protein forms S79L.
Identifiers: ClinVar variation 3353913 (VCV003353913.2).